The following is an entry in ClinVar:

NM_000558.4(HBA1):c.96del

Genes: HBA1 (hemoglobin subunit alpha 1; plus strand), LOC106804613 (hemoglobin subunit alpha 1 recombination region; plus strand). Cytogenetic location: 16p13.3.
Variant type: Deletion.
Coding change: c.96del on transcript NM_000558.4; coding-DNA position 96, one base deleted (G; older notation c.96delG).
Genome position (GRCh38, 1-based): chr16:176,929, G deleted; the last of 2 consecutive G bases (chr16:176,928-176,929); deleting either gives the same sequence. VCF-style (leftmost placement, unchanged base first): chr16-176927-AG-A. GRCh37 (hg19) VCF-style: chr16-226926-AG-A.
Identifiers: ClinVar variation 4814428 (VCV004814428.1).
Genomic context (GRCh38, chr16:176,927, plus strand): 5'-CCACCCTCAACCGTCCTGGCCCCGGACCCAAACCCCACCCCTCACTCTGCTTCTCCCCGC[AG>A]GATGTTCCTGTCCTTCCCCACCACCAAGACCTACTTCCCGCACTTCGACCTGAGCCACGG-3'

ClinVar aggregate classification (germline): Likely pathogenic (1 of 4 stars; one submission).

Conditions:
alpha Thalassemia. Also called: Alpha thalassemia spectrum. Identifiers: Orphanet 846, MedGen C0002312, MONDO:0011399, OMIM 604131.

Submission:

Natera, Inc.
Classification: Likely pathogenic for Alpha thalassemia. Last evaluated: 2024-05-23. Review status: criteria provided, single submitter. Criteria: Natera Variant Classification Schema (03/2026). Collection method: clinical testing. Allele origin: germline.
Comment: The c.96del variant in HBA1 is a frameshift variant predicted to shift the reading frame beginning at codon 33 and leads to a stop codon 17 codons downstream. This variant is expected to result in nonsense mediated decay, truncation, or a dysfunctional protein product. This variant is rare in the general population with a frequency below the threshold expected for the associated phenotype(s). Given the available evidence, this variant is classified as Likely Pathogenic.